The following is an entry in ClinVar:

NM_001042492.3(NF1):c.176C>G (p.Thr59Ser)

Gene: NF1 (neurofibromin 1; plus strand). Cytogenetic location: 17q11.2.
Variant type: single nucleotide variant.
Coding change: c.176C>G on transcript NM_001042492.3 (MANE Select); coding-DNA position 176, C replaced by G.
Protein change: p.Thr59Ser; replaces threonine 59 with serine.
Molecular consequence: missense variant.
Genome position (GRCh38, 1-based): chr17:31,156,098, C>G. VCF-style: chr17-31156098-C-G. GRCh37 (hg19) VCF-style: chr17-29483116-C-G.
Other names: c.176C>G, p.Thr59Ser (NM_000267.4, NM_001128147.3); short protein forms T59S.
Identifiers: ClinVar variation 232639 (VCV000232639.3), dbSNP rs876659891, ClinGen allele CA10580184.

ClinVar aggregate classification (germline): Uncertain significance (1 of 4 stars; one submission).

Conditions:
Hereditary cancer-predisposing syndrome. Also called: Neoplastic Syndromes, Hereditary; Tumor predisposition; Hereditary Cancer Syndrome; Hereditary neoplastic syndrome. Identifiers: Orphanet 140162, MedGen C0027672, MeSH D009386, MONDO:0015356.

Submission:

Ambry Genetics
Classification: Uncertain significance for Hereditary cancer-predisposing syndrome. Last evaluated: 2015-07-08. Review status: criteria provided, single submitter. Criteria: Ambry Autosomal Dominant and X-Linked criteria (10/2015). Collection method: clinical testing. Allele origin: germline. Observed: 1 variant allele.
Comment: The p.T59S variant (also known as c.176C>G), located in coding exon 2 of the NF1 gene, results from a C to G substitution at nucleotide position 176. The threonine at codon 59 is replaced by serine, an amino acid with similar properties. This variant was not reported in population based cohorts in the following databases: Database of Single Nucleotide Polymorphisms (dbSNP), NHLBI Exome Sequencing Project (ESP), and 1000 Genomes Project. In the ESP, this variant was not observed in 6502 samples (13004 alleles) with coverage at this position. To date, this alteration has been detected with an allele frequency of approximately 0.002% (greater than 55000alleles tested) in our clinical cohort.This amino acid position is highly conserved in available vertebrate species. In addition, the in silico prediction for this alteration is inconclusive.Since supporting evidence is limited at this time, the clinical significance of p.T59S remains unclear.